The following is an entry in ClinVar:

NM_177438.3(DICER1):c.4503del (p.Phe1501fs)

Gene: DICER1 (dicer 1, ribonuclease III; minus strand). Cytogenetic location: 14q32.13.
Variant type: Deletion.
Coding change: c.4503del on transcript NM_177438.3 (MANE Select); coding-DNA position 4503, one base deleted (T; older notation c.4503delT).
Protein change: p.Phe1501fs; shifts the reading frame from phenylalanine 1501.
Molecular consequence: frameshift variant.
Genome position (GRCh38, 1-based): chr14:95,096,417, A deleted on the plus strand (T on the coding strand, the reverse complement: DICER1 is on the minus strand); the first of 4 consecutive A bases (chr14:95,096,417-95,096,420); deleting any one gives the same sequence. VCF-style (leftmost placement, unchanged base first): chr14-95096416-CA-C. GRCh37 (hg19) VCF-style: chr14-95562753-CA-C.
Other names: c.4503del, p.Phe1501fs (NM_001195573.1, NM_001271282.3, NM_001291628.2 and 1 more transcripts); short protein forms F1501fs.
Identifiers: ClinVar variation 1075817 (VCV001075817.8), dbSNP rs2139849146, ClinGen allele CA2499222798.
Genomic context (GRCh38, chr14:95,096,416, plus strand): 5'-CATCTTCTTCAACAGCTTTGCTAGGATCCAGATAGCACATTGCATCCCAAGAGCTGTAGT[CA>C]AAATCCTCAAAATCTGATGAAAATGGCATACTACCTAAGGAGGATTTTTTGGGCATTTTC-3'

ClinVar aggregate classification (germline): Pathogenic (1 of 4 stars; one submission).

Conditions:
DICER1-related tumor predisposition. Also called: DICER1 syndrome; DICER1-related pleuropulmonary blastoma cancer predisposition syndrome. Identifiers: Orphanet 284343, MedGen C3839822, MONDO:0100216.

Submission:

Labcorp Genetics (formerly Invitae), Labcorp
Classification: Pathogenic for DICER1-related tumor predisposition. Last evaluated: 2020-03-19. Review status: criteria provided, single submitter. Criteria: Invitae Variant Classification Sherloc (09022015). Collection method: clinical testing. Allele origin: germline.
Comment: This sequence change creates a premature translational stop signal (p.Phe1501Leufs*59) in the DICER1 gene. It is expected to result in an absent or disrupted protein product. This variant is not present in population databases (ExAC no frequency). This variant has not been reported in the literature in individuals with DICER1-related conditions. Loss-of-function variants in DICER1 are known to be pathogenic (PMID: 19556464, 21266384). For these reasons, this variant has been classified as Pathogenic.

Literature cited by the submitters: PubMed 19556464; PubMed 21266384.